The following is an entry in ClinVar:

NM_080680.3(COL11A2):c.2821G>A (p.Glu941Lys)

Gene: COL11A2 (collagen type XI alpha 2 chain; minus strand). Cytogenetic location: 6p21.32.
Variant type: single nucleotide variant.
Coding change: c.2821G>A on transcript NM_080680.3 (MANE Select); coding-DNA position 2821, G replaced by A.
Protein change: p.Glu941Lys; replaces glutamic acid 941 with lysine.
Molecular consequence: missense variant.
Genome position (GRCh38, 1-based): chr6:33,172,607, C>T on the plus strand (G>A on the coding strand, the complement: COL11A2 is on the minus strand). VCF-style: chr6-33172607-C-T. GRCh37 (hg19) VCF-style: chr6-33140384-C-T.
Other names: c.2500G>A, p.Glu834Lys (NM_080679.3); c.2563G>A, p.Glu855Lys (NM_080681.3); short protein forms E834K, E855K, E941K.
Identifiers: ClinVar variation 1310924 (VCV001310924.4), dbSNP rs753595762, ClinGen allele CA3750715.

ClinVar aggregate classification (germline): Conflicting classifications of pathogenicity. Review status: criteria provided, conflicting classifications (1 of 4 stars). 2 submissions from 2 submitters: Uncertain significance (1); Likely benign (1). Last evaluated 2024-04-12.

Allele frequency attached by ClinVar (database versions not stated): gnomAD exomes 0.00001; TOPMed 0.00001; ExAC 0.00002.
gnomAD v4.1: 6 of 1,612,566 alleles (0.00037%); highest among the groups gnomAD compares: Non-Finnish European, 0.00051%; no homozygotes.

Submissions (2):

Labcorp Genetics (formerly Invitae), Labcorp
Classification: Likely benign. Last evaluated: 2024-04-12. Review status: criteria provided, single submitter. Criteria: Invitae Variant Classification Sherloc (09022015). Collection method: clinical testing. Allele origin: germline.

GeneDx
Classification: Uncertain significance. Last evaluated: 2019-12-09. Review status: criteria provided, single submitter. Criteria: GeneDx Variant Classification Process June 2021. Collection method: clinical testing. Allele origin: germline. Affected: yes.
Comment: Has not been previously published as pathogenic or benign to our knowledge; Not observed at a significant frequency in large population cohorts (Lek et al., 2016); In silico analysis, which includes protein predictors and evolutionary conservation, supports a deleterious effect